The following is an entry in ClinVar:

NM_017934.7(PHIP):c.4705G>A (p.Gly1569Ser)

Genes: IRAK1BP1 (interleukin 1 receptor associated kinase 1 binding protein 1; plus strand), PHIP (PHIP subunit of CUL4-Ring ligase complex; minus strand). Cytogenetic location: 6q14.1.
Variant type: single nucleotide variant.
Coding change: c.4705G>A on transcript NM_017934.7 (MANE Select); coding-DNA position 4705, G replaced by A.
Protein change: p.Gly1569Ser; replaces glycine 1569 with serine.
Molecular consequence: missense variant.
Genome position (GRCh38, 1-based): chr6:78,945,423, C>T on the plus strand (G>A on the coding strand, the complement: PHIP is on the minus strand). VCF-style: chr6-78945423-C-T. GRCh37 (hg19) VCF-style: chr6-79655140-C-T.
Other names: short protein forms G1569S.
Identifiers: ClinVar variation 3344223 (VCV003344223.3).

ClinVar aggregate classification (germline): Uncertain significance. Review status: criteria provided, single submitter (1 of 4 stars). 2 submissions from 2 submitters: Uncertain significance (1). 1 of the submissions does not count toward it. Last evaluated 2025-02-02.

Conditions:
PHIP-related disorder. Also called: PHIP-related condition; PHIP-related disorders.

Submissions (2):

Labcorp Genetics (formerly Invitae), Labcorp
Classification: Uncertain significance. Last evaluated: 2025-02-02. Review status: criteria provided, single submitter. Criteria: Invitae Variant Classification Sherloc (09022015). Collection method: clinical testing. Allele origin: germline.
Comment: This sequence change replaces glycine, which is neutral and non-polar, with serine, which is neutral and polar, at codon 1569 of the PHIP protein (p.Gly1569Ser). This variant is not present in population databases (gnomAD no frequency). This variant has not been reported in the literature in individuals affected with PHIP-related conditions. ClinVar contains an entry for this variant (Variation ID: 3344223). Invitae Evidence Modeling of protein sequence and biophysical properties (such as structural, functional, and spatial information, amino acid conservation, physicochemical variation, residue mobility, and thermodynamic stability) indicates that this missense variant is not expected to disrupt PHIP protein function with a negative predictive value of 95%. In summary, the available evidence is currently insufficient to determine the role of this variant in disease. Therefore, it has been classified as a Variant of Uncertain Significance.

PreventionGenetics, part of Exact Sciences
Classification: Uncertain significance for PHIP-related condition. Last evaluated: 2024-08-16. Review status: no assertion criteria provided. Collection method: clinical testing. Allele origin: germline. Not counted in ClinVar's aggregate classification.
Comment: The PHIP c.4705G>A variant is predicted to result in the amino acid substitution p.Gly1569Ser. To our knowledge, this variant has not been reported in the literature or in a large population database, indicating this variant is rare. At this time, the clinical significance of this variant is uncertain due to the absence of conclusive functional and genetic evidence.